The following is an entry in ClinVar:

ClinVar aggregate classification (germline): Uncertain significance (1 of 4 stars; one submission).

Submission:

Labcorp Genetics (formerly Invitae), Labcorp
Classification: Uncertain significance. Last evaluated: 2022-12-02. Review status: criteria provided, single submitter. Criteria: Invitae Variant Classification Sherloc (09022015). Collection method: clinical testing. Allele origin: germline.
Comment: In summary, the available evidence is currently insufficient to determine the role of this variant in disease. Therefore, it has been classified as a Variant of Uncertain Significance. Advanced modeling of protein sequence and biophysical properties (such as structural, functional, and spatial information, amino acid conservation, physicochemical variation, residue mobility, and thermodynamic stability) performed at Invitae indicates that this missense variant is expected to disrupt NFKB1 protein function. This variant has not been reported in the literature in individuals affected with NFKB1-related conditions. This variant is not present in population databases (gnomAD no frequency). This sequence change replaces serine, which is neutral and polar, with asparagine, which is neutral and polar, at codon 343 of the NFKB1 protein (p.Ser343Asn).

NM_003998.4(NFKB1):c.1028G>A (p.Ser343Asn)

Gene: NFKB1 (nuclear factor kappa B subunit 1; plus strand). Cytogenetic location: 4q24.
Variant type: single nucleotide variant.
Coding change: c.1028G>A on transcript NM_003998.4 (MANE Select); coding-DNA position 1028, G replaced by A.
Protein change: p.Ser343Asn; replaces serine 343 with asparagine.
Molecular consequence: missense variant.
Genome position (GRCh38, 1-based): chr4:102,584,782, G>A. VCF-style: chr4-102584782-G-A. GRCh37 (hg19) VCF-style: chr4-103505939-G-A.
Other names: c.1025G>A, p.Ser342Asn (NM_001165412.2, NM_001319226.2, NM_001382627.1); c.1028G>A, p.Ser343Asn (NM_001382625.1, NM_001382626.1); c.986G>A, p.Ser329Asn (NM_001382628.1); short protein forms S343N, S329N, S342N.
Identifiers: ClinVar variation 2817951 (VCV002817951.3), dbSNP rs2476447583, ClinGen allele CA357960995.